The following is an entry in ClinVar:

NM_002519.3(NPAT):c.722A>T (p.Glu241Val)

Gene: NPAT (nuclear protein, coactivator of histone transcription; minus strand). Cytogenetic location: 11q22.3.
Variant type: single nucleotide variant.
Coding change: c.722A>T on transcript NM_002519.3 (MANE Select); coding-DNA position 722, A replaced by T.
Protein change: p.Glu241Val; replaces glutamic acid 241 with valine.
Molecular consequence: missense variant.
Genome position (GRCh38, 1-based): chr11:108,186,486, T>A on the plus strand (A>T on the coding strand, the complement: NPAT is on the minus strand). VCF-style: chr11-108186486-T-A. GRCh37 (hg19) VCF-style: chr11-108057213-T-A.
Other names: c.722A>T, p.Glu241Val (NM_001321307.1); short protein forms E241V.
Identifiers: ClinVar variation 1757799 (VCV001757799.2), dbSNP rs1456450312, ClinGen allele CA382522112.
Genomic context (GRCh38, chr11:108,186,486, plus strand): 5'-CTGTATTTTTAAACTCAGGAATATTTTAAGTTGCAAAGTTTGGCAGAGTCACTTACTTTT[T>A]CTACTGCAAAAGCGTTTGGATCTTGGAAATTCCGTATTGTTGAATGAGGGCCAGACAAAG-3'
Protein context (NP_002510.2, residues 231-251): NFQDPNAFAV[Glu241Val]KQMVIENARE

ClinVar aggregate classification (germline): Uncertain significance (1 of 4 stars; one submission).

Submission:

Ambry Genetics
Classification: Uncertain significance. Last evaluated: 2021-08-11. Review status: criteria provided, single submitter. Criteria: Ambry Variant Classification Scheme 2023. Collection method: clinical testing. Allele origin: germline.
Comment: The p.E241V variant (also known as c.722A>T), located in coding exon 8 of the NPAT gene, results from an A to T substitution at nucleotide position 722. The glutamic acid at codon 241 is replaced by valine, an amino acid with dissimilar properties. This amino acid position is conserved. In addition, this alteration is predicted to be tolerated by in silico analysis. Since supporting evidence is limited at this time, the clinical significance of this alteration remains unclear.